The following is an entry in ClinVar:

NM_005120.3(MED12):c.4016C>T (p.Pro1339Leu)

Gene: MED12 (mediator complex subunit 12; plus strand). Cytogenetic location: Xq13.1.
Variant type: single nucleotide variant.
Coding change: c.4016C>T on transcript NM_005120.3 (MANE Select); coding-DNA position 4016, C replaced by T.
Protein change: p.Pro1339Leu; replaces proline 1339 with leucine.
Molecular consequence: missense variant.
Genome position (GRCh38, 1-based): chrX:71,130,183, C>T. VCF-style: chrX-71130183-C-T. GRCh37 (hg19) VCF-style: chrX-70350033-C-T.
Other names: short protein forms P1339L.
Identifiers: ClinVar variation 1489434 (VCV001489434.6), dbSNP rs757845624, ClinGen allele CA10444573.

ClinVar aggregate classification (germline): Uncertain significance (1 of 4 stars; one submission).

Conditions:
FG syndrome (FGS). Identifiers: MedGen C0220769, MONDO:0002010.

Allele frequency attached by ClinVar (database versions not stated): gnomAD exomes 0.00001; ExAC 0.00002.

Submission:

Labcorp Genetics (formerly Invitae), Labcorp
Classification: Uncertain significance for FG syndrome. Last evaluated: 2021-11-16. Review status: criteria provided, single submitter. Criteria: Invitae Variant Classification Sherloc (09022015). Collection method: clinical testing. Allele origin: germline.
Comment: In summary, the available evidence is currently insufficient to determine the role of this variant in disease. Therefore, it has been classified as a Variant of Uncertain Significance. Advanced modeling of protein sequence and biophysical properties (such as structural, functional, and spatial information, amino acid conservation, physicochemical variation, residue mobility, and thermodynamic stability) performed at Invitae indicates that this missense variant is not expected to disrupt MED12 protein function. This variant has not been reported in the literature in individuals affected with MED12-related conditions. The frequency data for this variant in the population databases is considered unreliable, as metrics indicate poor data quality at this position in the gnomAD database. This sequence change replaces proline, which is neutral and non-polar, with leucine, which is neutral and non-polar, at codon 1339 of the MED12 protein (p.Pro1339Leu).